The following is an entry in ClinVar:

ClinVar aggregate classification (germline): Uncertain significance. Review status: criteria provided, multiple submitters, no conflicts (2 of 4 stars). 4 submissions from 4 submitters: Uncertain significance (4). Last evaluated 2025-04-11.

Conditions:
Atrial conduction disease. Identifiers: Orphanet 436242, MedGen CN221670, MONDO:0014500.

gnomAD v4.1: 3 of 1,613,428 alleles (0.00019%); highest among the groups gnomAD compares: South Asian, 0.0011%; no homozygotes.

Submissions (4):

Labcorp Genetics (formerly Invitae), Labcorp
Classification: Uncertain significance. Last evaluated: 2025-04-11. Review status: criteria provided, single submitter. Criteria: Invitae Variant Classification Sherloc (09022015). Collection method: clinical testing. Allele origin: germline.
Comment: This sequence change replaces arginine, which is basic and polar, with tryptophan, which is neutral and slightly polar, at codon 641 of the TNNI3K protein (p.Arg641Trp). This variant is not present in population databases (gnomAD no frequency). This variant has not been reported in the literature in individuals affected with TNNI3K-related conditions. ClinVar contains an entry for this variant (Variation ID: 1802221). An algorithm developed to predict the effect of missense changes on protein structure and function (PolyPhen-2) suggests that this variant is likely to be disruptive. In summary, the available evidence is currently insufficient to determine the role of this variant in disease. Therefore, it has been classified as a Variant of Uncertain Significance.

Blueprint Genetics
Classification: Uncertain significance. Last evaluated: 2024-09-03. Review status: criteria provided, single submitter. Criteria: ACMG Guidelines, 2015. Collection method: clinical testing. Allele origin: germline.

Genome-Nilou Lab
Classification: Uncertain significance for Cardiac conduction disease with or without dilated cardiomyopathy 1. Last evaluated: 2023-04-11. Review status: criteria provided, single submitter. Criteria: ACMG Guidelines, 2015. Collection method: clinical testing. Allele origin: germline. Affected: no.

Diagnostics Services (NGS), CSIR - Centre For Cellular And Molecular Biology
Classification: Uncertain significance for Cardiac conduction disease with or without dilated cardiomyopathy 1. Last evaluated: 2022-08-11. Review status: criteria provided, single submitter. Criteria: ACMG Guidelines, 2015. Collection method: clinical testing. Allele origin: unknown. Affected: yes. Observed: 1 variant allele, 1 heterozygote.
Comment: The c.1921C>T variant is not present in publicly available population databases like 1000 Genomes, EVS, ExAC, gnomAD and Indian Exome Database. The variant is not present in our in-house exome database. This variant has not been published in literature or reported to clinical databases like ClinVar, Human Genome Mutation Database (HGMD) and OMIM. In-silico pathogenicity prediction programs like SIFT, Polyphen-2, MutationTaster2, CADD etc. predicted this variant to be likely deleterious, however these predictions were not confirmed by any published functional studies.

NM_015978.3(TNNI3K):c.1921C>T (p.Arg641Trp)

Genes: FPGT-TNNI3K (FPGT-TNNI3K readthrough; plus strand), TNNI3K (TNNI3 interacting kinase; plus strand). Cytogenetic location: 1p31.1.
Variant type: single nucleotide variant.
Coding change: c.1921C>T on transcript NM_015978.3 (MANE Select); coding-DNA position 1921, C replaced by T.
Protein change: p.Arg641Trp; replaces arginine 641 with tryptophan.
Molecular consequence: missense variant.
Genome position (GRCh38, 1-based): chr1:74,439,532, C>T. VCF-style: chr1-74439532-C-T. GRCh37 (hg19) VCF-style: chr1-74905216-C-T.
Other names: c.2224C>T, p.Arg742Trp (NM_001112808.3, NM_001199327.2); short protein forms R641W, R742W.
Identifiers: ClinVar variation 1802221 (VCV001802221.11), dbSNP rs879000304, ClinGen allele CA24566037.